The following is an entry in ClinVar:

ClinVar aggregate classification (germline): Conflicting classifications of pathogenicity. Review status: criteria provided, conflicting classifications (1 of 4 stars). 9 submissions from 8 submitters: Uncertain significance (2); Likely benign (7). Last evaluated 2026-05-01.

Conditions:
RYR1-related disorder. Also called: RYR1-related disorders; RYR1-related condition. Identifiers: MedGen CN239331.
Congenital multicore myopathy with external ophthalmoplegia (CMYO1B). Also called: MULTIMINICORE DISEASE WITH EXTERNAL OPHTHALMOPLEGIA; MULTICORE MYOPATHY; Minicore myopathy with external ophthalmoplegia; Congenital myopathy 1B, autosomal recessive; Minicore myopathy. Identifiers: Orphanet 598, Orphanet 98905, MedGen C1850674, MONDO:0009712, OMIM 255320, HP:0003789.
Malignant hyperthermia, susceptibility to, 1 (MHS1). Also called: Anesthesia related hyperthermia; Malignant hyperpyrexia; Fulminating hyperpyrexia; Pharmacogenic myopathy; RYR1-Related Malignant Hyperthermia Susceptibility; Malignant hyperthermia suceptibility 1. Identifiers: Orphanet 423, MedGen C2930980, MONDO:0007783, OMIM 145600.

Allele frequency attached by ClinVar (database versions not stated): TOPMed 0.00009.
gnomAD v4.1: 142 of 1,614,032 alleles (0.0088%); highest among the groups gnomAD compares: Non-Finnish European, 0.011%; no homozygotes.

Submissions (9):

CeGaT Center for Human Genetics Tuebingen
Classification: Likely benign. Last evaluated: 2026-05-01. Review status: criteria provided, single submitter. Criteria: CeGaT Center For Human Genetics Tuebingen Variant Classification Criteria Version 2. Collection method: clinical testing. Allele origin: germline. Affected: yes. Observed: 1 variant allele.
Comment: RYR1: BP4, BP7

Labcorp Genetics (formerly Invitae), Labcorp
Classification: Likely benign for RYR1-related disorder. Last evaluated: 2025-12-16. Review status: criteria provided, single submitter. Criteria: Invitae Variant Classification Sherloc (09022015). Collection method: clinical testing. Allele origin: germline.

Blueprint Genetics
Classification: Likely benign. Last evaluated: 2024-05-20. Review status: criteria provided, single submitter. Criteria: ACMG Guidelines, 2015. Collection method: clinical testing. Allele origin: germline.

All of Us Research Program, National Institutes of Health
Classification: Likely benign for Malignant hyperthermia, susceptibility to, 1. Last evaluated: 2024-02-05. Review status: criteria provided, single submitter. Criteria: ACMG Guidelines, 2015. Collection method: clinical testing. Allele origin: germline. Inheritance: Autosomal dominant inheritance. Observed: 19 variant alleles, 19 heterozygotes.
Comment: This study involves interpretation of variants in research participants for the purpose of population health screening. Participant phenotype was not available at the time of variant classification. Additional details can be found in publication PMID: 35346344, PMCID: PMC8962531

Color Diagnostics, LLC DBA Color Health
Classification: Likely benign for Malignant hyperthermia, susceptibility to, 1. Last evaluated: 2022-12-07. Review status: criteria provided, single submitter. Criteria: ACMG Guidelines, 2015. Collection method: clinical testing. Allele origin: germline.

GeneDx
Classification: Likely benign. Last evaluated: 2020-05-05. Review status: criteria provided, single submitter. Criteria: GeneDx Variant Classification Process June 2021. Collection method: clinical testing. Allele origin: germline. Affected: yes.

Illumina Laboratory Services, Illumina
Classification: Uncertain significance for Malignant hyperthermia, susceptibility to, 1. Last evaluated: 2018-01-13. Review status: criteria provided, single submitter. Criteria: ICSL Variant Classification Criteria 13 December 2019. Collection method: clinical testing. Allele origin: germline.

Illumina Laboratory Services, Illumina
Classification: Uncertain significance for Congenital multicore myopathy with external ophthalmoplegia. Last evaluated: 2018-01-13. Review status: criteria provided, single submitter. Criteria: ICSL Variant Classification Criteria 13 December 2019. Collection method: clinical testing. Allele origin: germline.

PreventionGenetics, part of Exact Sciences
Classification: Likely benign. Review status: criteria provided, single submitter. Criteria: ACMG Guidelines, 2015. Collection method: clinical testing. Allele origin: germline.

NM_000540.3(RYR1):c.3420C>T (p.Arg1140=)

Gene: RYR1 (ryanodine receptor 1; plus strand). Cytogenetic location: 19q13.2.
Variant type: single nucleotide variant.
Coding change: c.3420C>T on transcript NM_000540.3 (MANE Select); coding-DNA position 3420, C replaced by T.
Protein change: p.Arg1140=; no amino-acid change (arginine 1140 retained).
Molecular consequence: synonymous variant.
Genome position (GRCh38, 1-based): chr19:38,469,004, C>T. VCF-style: chr19-38469004-C-T. GRCh37 (hg19) VCF-style: chr19-38959644-C-T.
Other names: c.3420C>T, p.Arg1140= (NM_001042723.2).
Identifiers: ClinVar variation 256493 (VCV000256493.34), dbSNP rs201599911, ClinGen allele CA064829.